The following is an entry in ClinVar:

NM_001080467.3(MYO5B):c.2237T>A (p.Ile746Asn)

Gene: MYO5B (myosin VB; minus strand). Cytogenetic location: 18q21.1.
Variant type: single nucleotide variant.
Coding change: c.2237T>A on transcript NM_001080467.3 (MANE Select); coding-DNA position 2237, T replaced by A.
Protein change: p.Ile746Asn; replaces isoleucine 746 with asparagine.
Molecular consequence: missense variant.
Genome position (GRCh38, 1-based): chr18:49,906,596, A>T on the plus strand (T>A on the coding strand, the complement: MYO5B is on the minus strand). VCF-style: chr18-49906596-A-T. GRCh37 (hg19) VCF-style: chr18-47432966-A-T.
Other names: short protein forms I746N.
Identifiers: ClinVar variation 1999429 (VCV001999429.4), dbSNP rs2511280202, ClinGen allele CA402436833.

ClinVar aggregate classification (germline): Uncertain significance (1 of 4 stars; one submission).

Submission:

Labcorp Genetics (formerly Invitae), Labcorp
Classification: Uncertain significance. Last evaluated: 2022-05-27. Review status: criteria provided, single submitter. Criteria: Invitae Variant Classification Sherloc (09022015). Collection method: clinical testing. Allele origin: germline.
Comment: This sequence change replaces isoleucine, which is neutral and non-polar, with asparagine, which is neutral and polar, at codon 746 of the MYO5B protein (p.Ile746Asn). This variant is not present in population databases (gnomAD no frequency). This missense change has been observed in individual(s) with persistent cholestasis (Invitae). Algorithms developed to predict the effect of missense changes on protein structure and function are either unavailable or do not agree on the potential impact of this missense change (SIFT: "Deleterious"; PolyPhen-2: "Probably Damaging"; Align-GVGD: "Class C0"). In summary, the available evidence is currently insufficient to determine the role of this variant in disease. Therefore, it has been classified as a Variant of Uncertain Significance.